The following is an entry in ClinVar:

NM_058004.4(PI4KA):c.786T>C (p.Ser262=)

Gene: PI4KA (phosphatidylinositol 4-kinase alpha; minus strand). Cytogenetic location: 22q11.21.
Variant type: single nucleotide variant.
Coding change: c.786T>C on transcript NM_058004.4 (MANE Select); coding-DNA position 786, T replaced by C.
Protein change: p.Ser262=; no amino-acid change (serine 262 retained).
Molecular consequence: synonymous variant.
Genome position (GRCh38, 1-based): chr22:20,819,644, A>G on the plus strand (T>C on the coding strand, the complement: PI4KA is on the minus strand). VCF-style: chr22-20819644-A-G. GRCh37 (hg19) VCF-style: chr22-21173932-A-G.
Other names: c.786T>C, p.Ser262= (NM_001362862.2, NM_001362863.2).
Identifiers: ClinVar variation 3030597 (VCV003030597.2), dbSNP rs1232358720, ClinGen allele CA513697567.

ClinVar aggregate classification (germline): Likely benign (0 of 4 stars; one submission).

Conditions:
PI4KA-related disorder. Also called: PI4KA-related condition; PI4KA-related disorders. Identifiers: MedGen CN378147, MONDO:1040012.

Allele frequency attached by ClinVar (database versions not stated): TOPMed below 0.00001.
gnomAD v4.1: 23 of 1,613,320 alleles (0.0014%); highest among the groups gnomAD compares: Non-Finnish European, 0.0018%; no homozygotes.

Submission:

PreventionGenetics, part of Exact Sciences
Classification: Likely benign for PI4KA-related condition. Last evaluated: 2021-03-31. Review status: no assertion criteria provided. Collection method: clinical testing. Allele origin: germline.
Comment: This variant is classified as likely benign based on ACMG/AMP sequence variant interpretation guidelines (Richards et al. 2015 PMID: 25741868, with internal and published modifications).